The following is an entry in ClinVar:

ClinVar aggregate classification (germline): Uncertain significance (1 of 4 stars; one submission).

Conditions:
Inborn genetic diseases. Identifiers: MedGen C0950123, MeSH D030342.

Submission:

Ambry Genetics
Classification: Uncertain significance for Inborn genetic diseases. Last evaluated: 2026-09-09. Review status: criteria provided, single submitter. Criteria: Ambry Variant Classification Scheme 2023. Collection method: clinical testing. Allele origin: germline.
Comment: The p.T92A variant (also known as c.274A>G), located in coding exon 1 of the SH2B3 gene, results from an A to G substitution at nucleotide position 274. The threonine at codon 92 is replaced by alanine, an amino acid with similar properties. This amino acid position is conserved. In addition, this alteration is predicted to be tolerated by in silico analysis. Based on the available evidence, the clinical significance of this variant remains unclear.

NM_005475.3(SH2B3):c.274A>G (p.Thr92Ala)

Gene: SH2B3 (SH2B adaptor protein 3; plus strand). Cytogenetic location: 12q24.12.
Variant type: single nucleotide variant.
Coding change: c.274A>G on transcript NM_005475.3 (MANE Select); coding-DNA position 274, A replaced by G.
Protein change: p.Thr92Ala; replaces threonine 92 with alanine.
Molecular consequence: missense variant.
Genome position (GRCh38, 1-based): chr12:111,418,419, A>G. VCF-style: chr12-111418419-A-G. GRCh37 (hg19) VCF-style: chr12-111856223-A-G.
Other names: short protein forms T92A.
Identifiers: ClinVar variation 5029521 (VCV005029521.1).